The following is an entry in ClinVar:

ClinVar aggregate classification (germline): Pathogenic. Review status: reviewed by expert panel (3 of 4 stars). 13 submissions from 13 submitters: Pathogenic (1). 12 of the submissions do not count toward it. Last evaluated 2013-09-05.

Conditions:
Hereditary nonpolyposis colon cancer (HNPCC). Also called: Hereditary nonpolyposis colorectal cancer; Familial nonpolyposis colon cancer; Hereditary Nonpolyposis Colorectal Cancer Syndrome. Identifiers: Orphanet 443909, MedGen C1333990, MONDO:0018630. Disease mechanism: loss of function.
Hereditary nonpolyposis colorectal neoplasms. Identifiers: MedGen C0009405, MeSH D003123.
Hereditary cancer-predisposing syndrome. Also called: Neoplastic Syndromes, Hereditary; Tumor predisposition; Hereditary Cancer Syndrome; Hereditary neoplastic syndrome. Identifiers: Orphanet 140162, MedGen C0027672, MeSH D009386, MONDO:0015356.
Lynch syndrome. Identifiers: Orphanet 144, MedGen C4552100, MONDO:0005835. Disease mechanism: loss of function.
Lynch syndrome 4 (LYNCH4). Also called: Colorectal cancer, hereditary nonpolyposis, type 4; Hereditary non-polyposis colorectal cancer, type 4. Identifiers: Orphanet 144, MedGen C1838333, MONDO:0013699, OMIM 614337. Disease mechanism: loss of function.

Allele frequency attached by ClinVar (database versions not stated): TOPMed below 0.00001.

Submissions 1 to 8 of 13:

International Society for Gastrointestinal Hereditary Tumours (InSiGHT)
Classification: Pathogenic for Lynch Syndrome. Last evaluated: 2013-09-05. Review status: reviewed by expert panel. Criteria: Guidelines v1.9. Collection method: research. Allele origin: germline.
Comment: Coding sequence variation resulting in a stop codon

Classified with v1.9 guidelines

Victorian Clinical Genetics Services, Murdoch Childrens Research Institute
Classification: Pathogenic for Lynch syndrome 4. Last evaluated: 2026-03-03. Review status: criteria provided, single submitter. Criteria: ACMG Guidelines, 2015. Collection method: clinical testing. Allele origin: germline. Affected: no. Not counted in ClinVar's aggregate classification.
Comment: This variant is classified as Pathogenic. Evidence in support of pathogenic classification: Variant is predicted to cause nonsense-mediated decay (NMD) and loss of protein (premature termination codon is located at least 54 nucleotides upstream of the final exon-exon junction); Variant is absent from gnomAD (v2, v3 and v4); This variant has strong previous evidence of pathogenicity in unrelated individuals. This variant has been classified as pathogenic by multiple clinical laboratories in ClinVar. It has also been classified as pathogenic by the International Society for Gastrointestinal Hereditary Tumours (InSiGHT) expert panel in ClinVar for Lynch syndrome; Other NMD-predicted variant(s) comparable to the one identified in this case have very strong previous evidence for pathogenicity (DECIPHER). Additional information: This variant is heterozygous; This gene is associated with both recessive and dominant disease. Individuals with biallelic variants have mismatch repair cancer syndrome 4 (MIM#619101), whereas heterozygous individuals have cancer susceptibility (OMIM); Loss of function is a known mechanism of disease in this gene and is associated with Lynch syndrome 4, (MIM#614337) and mismatch repair cancer syndrome 4 (MIM#619101); The condition associated with this gene has incomplete penetrance. Reduced penetrance has been documented for the monoallelic condition (PMID: 25856668).

Labcorp Genetics (formerly Invitae), Labcorp
Classification: Pathogenic for Hereditary nonpolyposis colorectal neoplasms. Last evaluated: 2025-12-05. Review status: criteria provided, single submitter. Criteria: Invitae Variant Classification Sherloc (09022015). Collection method: clinical testing. Allele origin: germline. Not counted in ClinVar's aggregate classification.
Comment: This sequence change creates a premature translational stop signal (p.Lys580*) in the PMS2 gene. It is expected to result in an absent or disrupted protein product. Loss-of-function variants in PMS2 are known to be pathogenic (PMID: 21376568, 24362816). This variant is not present in population databases (gnomAD no frequency). This premature translational stop signal has been observed in individual(s) with colon cancer (PMID: 18602922). Invitae Evidence Modeling of clinical and family history, age, sex, and reported ancestry of multiple individuals with this PMS2 variant has been performed. This variant is expected to be pathogenic with a positive predictive value of at least 99%. This is a validated machine learning model that incorporates the clinical features of 1,627,235 individuals referred to our laboratory for PMS2 testing. ClinVar contains an entry for this variant (Variation ID: 91312). For these reasons, this variant has been classified as Pathogenic.

Quest Diagnostics Nichols Institute San Juan Capistrano
Classification: Pathogenic. Last evaluated: 2025-08-29. Review status: criteria provided, single submitter. Criteria: Quest Diagnostics criteria. Collection method: clinical testing. Allele origin: unknown. Not counted in ClinVar's aggregate classification.
Comment: The PMS2 c.1738A>T (p.Lys580*) variant causes the premature termination of PMS2 protein synthesis. This variant has been reported in the published literature in individuals with Lynch syndrome (PMIDs: 31992580 (2020), 28514183 (2017)) and Lynch-associated cancers including colorectal (PMIDs: 38023196 (2023), 35098669 (2022), 31118792 (2019), 18602922 (2008)), endometrial (PMID: 35884469 (2022)), and ovarian cancer (PMID: 28888541 (2017)). In addition, this variant has been reported in homozygosity or in compound heterozygosity with another pathogenic PMS2 variant in individuals with constitutional mismatch repair deficiency (CMMRD) syndrome (PMIDs: 33259954 (2021), 32642664 (2019)). This variant has not been reported in large, multi-ethnic general populations (Genome Aggregation Database). Based on the available information, this variant is classified as pathogenic.

GeneDx
Classification: Pathogenic. Last evaluated: 2024-11-27. Review status: criteria provided, single submitter. Criteria: GeneDx Variant Classification Process June 2021. Collection method: clinical testing. Allele origin: germline. Affected: yes. Not counted in ClinVar's aggregate classification.
Comment: Nonsense variant predicted to result in protein truncation or nonsense mediated decay in a gene for which loss of function is a known mechanism of disease; Not observed at significant frequency in large population cohorts (gnomAD); Truncating variants in this gene are considered pathogenic by a well-established clinical consortium and/or database; This variant is associated with the following publications: (PMID: 28454591, 28514183, 18602922, 26895986, 25691505, 14574005, 31118792, 30787465, 34178123, 32719484, 28888541, 31992580, 32782288, 35273153, 31830689, 31433215, 32642664, 33259954, 37310942)

All of Us Research Program, National Institutes of Health
Classification: Pathogenic for Lynch syndrome. Last evaluated: 2024-09-23. Review status: criteria provided, single submitter. Criteria: ACMG Guidelines, 2015. Collection method: clinical testing. Allele origin: germline. Inheritance: Autosomal dominant inheritance. Observed: 5 variant alleles, 5 heterozygotes. Not counted in ClinVar's aggregate classification.
Comment: This variant changes 1 nucleotide in exon 11 of the PMS2 gene, creating a premature translation stop signal. This variant is expected to result in an absent or non-functional protein product. To our knowledge, functional studies have not been reported for this variant. This variant has been reported in an individual affected with MMR-deficient colorectal cancer (PMID: 18602922, 26895986). This variant also has been detected in at least two individuals affected with constitutional mismatch repair deficiency syndrome as a homozygous mutation and as a heterozygous mutation in trans with a PMS2 truncation variant (PMID: 31433215, 32642664, 33259954). This variant has not been identified in the general population by the Genome Aggregation Database (gnomAD). Loss of PMS2 function is a known mechanism of disease. Based on the available evidence, this variant is classified as Pathogenic.

This study involves interpretation of variants in research participants for the purpose of population health screening. Participant phenotype was not available at the time of variant classification. Additional details can be found in publication PMID: 35346344, PMCID: PMC8962531

Color Diagnostics, LLC DBA Color Health
Classification: Pathogenic for Hereditary cancer-predisposing syndrome. Last evaluated: 2024-02-21. Review status: criteria provided, single submitter. Criteria: ACMG Guidelines, 2015. Collection method: clinical testing. Allele origin: germline. Not counted in ClinVar's aggregate classification.
Comment: This variant changes 1 nucleotide in exon 11 of the PMS2 gene, creating a premature translation stop signal. This variant is expected to result in an absent or non-functional protein product. This variant has been reported in multiple individuals affected with Lynch syndrome-associated cancers (PMID: 18602922, 26895986, 31992580, 34285288). This variant also has been detected in individuals affected with constitutional mismatch repair deficiency syndrome as a homozygous mutation or as a heterozygous mutation in trans with a PMS2 truncation variant (PMID: 31433215, 32642664, 33259954). This variant has not been identified in the general population by the Genome Aggregation Database (gnomAD). Loss of PMS2 function is a known mechanism of disease. Based on the available evidence, this variant is classified as Pathogenic.

Baylor Genetics
Classification: Pathogenic for Lynch syndrome 4. Last evaluated: 2023-10-22. Review status: criteria provided, single submitter. Criteria: ACMG Guidelines, 2015. Collection method: clinical testing. Allele origin: unknown. Not counted in ClinVar's aggregate classification.

NM_000535.7(PMS2):c.1738A>T (p.Lys580Ter)

Gene: PMS2 (PMS1 homolog 2, mismatch repair system component; minus strand). Cytogenetic location: 7p22.1.
Variant type: single nucleotide variant.
Coding change: c.1738A>T on transcript NM_000535.7 (MANE Select); coding-DNA position 1738, A replaced by T.
Protein change: p.Lys580Ter; replaces lysine 580 with a stop codon.
Molecular consequence: nonsense. On other transcripts: non-coding transcript variant (1).
Genome position (GRCh38, 1-based): chr7:5,987,027, T>A on the plus strand (A>T on the coding strand, the complement: PMS2 is on the minus strand). VCF-style: chr7-5987027-T-A. GRCh37 (hg19) VCF-style: chr7-6026658-T-A.
Other names: c.1333A>T, p.Lys445Ter (NM_001322003.2, NM_001322004.2, NM_001322005.2 and 1 more transcripts); c.1582A>T, p.Lys528Ter (NM_001322006.2); c.1420A>T, p.Lys474Ter (NM_001322007.2, NM_001322008.2); c.1177A>T, p.Lys393Ter (NM_001322010.2); c.805A>T, p.Lys269Ter (NM_001322011.2, NM_001322012.2); c.1165A>T, p.Lys389Ter (NM_001322013.2); c.1738A>T, p.Lys580Ter (NM_001322014.2); c.1429A>T, p.Lys477Ter (NM_001322015.2); short protein forms K580*, K477*, K269*, K389*, K445*, K393*, K474*, K528*.
Identifiers: ClinVar variation 91312 (VCV000091312.49), dbSNP rs267608169, ClinGen allele CA010207.